The following is an entry in ClinVar:

ClinVar aggregate classification (germline): Uncertain significance (1 of 4 stars; one submission).

Submission:

GeneDx
Classification: Uncertain significance. Last evaluated: 2022-09-11. Review status: criteria provided, single submitter. Criteria: GeneDx Variant Classification Process June 2021. Collection method: clinical testing. Allele origin: germline. Affected: yes.
Comment: In-frame deletion of 1 amino acid in a non-repeat region; In silico analysis supports that this variant does not alter protein structure/function; Has not been previously published as pathogenic or benign to our knowledge

NM_003070.5(SMARCA2):c.750ACA[1] (p.Gln253del)

Gene: SMARCA2 (SWI/SNF related BAF chromatin remodeling complex subunit ATPase 2; plus strand). Cytogenetic location: 9p24.3.
Variant type: Microsatellite.
Coding change: c.750ACA[1] on transcript NM_003070.5 (MANE Select); one copy of the 3-base unit ACA starting at c.750; the reference has two copies in a row; one copy, 3 bases deleted.
Protein change: p.Gln253del; deletes glutamine 253.
Molecular consequence: inframe deletion. On other transcripts: inframe indel (1).
Genome position (GRCh38, 1-based): chr9:2,039,863-2,039,865, ACA deleted; deleting any 3 consecutive bases within chr9:2,039,858-2,039,865 gives the same sequence; the position shown is the placement nearest the transcript's 3' end. VCF-style (leftmost placement, unchanged base first): chr9-2039857-GCAA-G. GRCh37 (hg19) VCF-style: chr9-2039857-GCAA-G.
Other names: c.750_752ACA[1], p.Gln253del (NM_001289396.2); c.750ACA[1], p.Gln253del (NM_001289397.2, NM_139045.4); short protein forms Q253del.
Identifiers: ClinVar variation 2443454 (VCV002443454.1), dbSNP rs1563725197, ClinGen allele CA585909144.